The following is an entry in ClinVar:

NM_000219.6(KCNE1):c.358A>G (p.Thr120Ala)

Gene: KCNE1 (potassium voltage-gated channel subfamily E regulatory subunit 1; minus strand). Cytogenetic location: 21q22.12.
Variant type: single nucleotide variant.
Coding change: c.358A>G on transcript NM_000219.6 (MANE Select); coding-DNA position 358, A replaced by G.
Protein change: p.Thr120Ala; replaces threonine 120 with alanine.
Molecular consequence: missense variant.
Genome position (GRCh38, 1-based): chr21:34,449,277, T>C on the plus strand (A>G on the coding strand, the complement: KCNE1 is on the minus strand). VCF-style: chr21-34449277-T-C. GRCh37 (hg19) VCF-style: chr21-35821575-T-C.
Other names: c.358A>G, p.Thr120Ala (NM_001127668.4, NM_001127669.4, NM_001127670.4 and 4 more transcripts); short protein forms T120A.
Identifiers: ClinVar variation 3373805 (VCV003373805.2).

Conditions:
Long QT syndrome 5 (LQT5). Identifiers: Orphanet 101016, Orphanet 768, MedGen C1867904, MONDO:0013372, OMIM 613695.

Submission:

Roden Lab, Vanderbilt University Medical Center
No classification provided (evidence only). Condition: Long QT syndrome 5. Review status: no classification provided. Collection method: in vitro. Allele origin: not applicable. Functional consequence: Effect on ion channel function.
ClinVar note: "not provided" was previously submitted as the classification for the variant. However, the classification appeared to be based only on an observation of functional data so it was converted to no classification on 2025-07-30.